The following is an entry in ClinVar:

ClinVar aggregate classification (germline): Uncertain significance (1 of 4 stars; one submission).

gnomAD v4.1: 2 of 1,537,746 alleles (0.00013%); highest among the groups gnomAD compares: Non-Finnish European, 0.00018%; no homozygotes.

Submission:

Dasa
Classification: Uncertain significance. Last evaluated: 2024-12-04. Review status: criteria provided, single submitter. Criteria: DASA Assertion Criteria. Collection method: clinical testing. Allele origin: germline.
Comment: NM_000426.4(LAMA2):c.5971A>G (p.Asn1991Asp) is a missense variant that results in the substitution of asparagine with aspartic acid. This variant is rare in population databases. The currently available literature and clinical evidence are not sufficient to establish a definitive association between this variant and the reported condition. Therefore, this variant is classified as a variant of uncertain significance.

NM_000426.4(LAMA2):c.5971A>G (p.Asn1991Asp)

Gene: LAMA2 (laminin subunit alpha 2; plus strand). Cytogenetic location: 6q22.33.
Variant type: single nucleotide variant.
Coding change: c.5971A>G on transcript NM_000426.4 (MANE Select); coding-DNA position 5971, A replaced by G.
Protein change: p.Asn1991Asp; replaces asparagine 1991 with aspartic acid.
Molecular consequence: missense variant.
Genome position (GRCh38, 1-based): chr6:129,438,648, A>G. VCF-style: chr6-129438648-A-G. GRCh37 (hg19) VCF-style: chr6-129759793-A-G.
Other names: c.5971A>G, p.Asn1991Asp (NM_001079823.2); short protein forms N1991D.
Identifiers: ClinVar variation 4881181 (VCV004881181.2).